The following is an entry in ClinVar:

NM_001358530.2(MOCS1):c.418+6T>C

Gene: MOCS1 (molybdenum cofactor synthesis 1; minus strand). Cytogenetic location: 6p21.2.
Variant type: single nucleotide variant.
Coding change: c.418+6T>C on transcript NM_001358530.2 (MANE Select); 6 bases into the intron after coding-DNA position 418, T replaced by C.
Molecular consequence: intron variant.
Genome position (GRCh38, 1-based): chr6:39,925,672, A>G on the plus strand (T>C on the coding strand, the complement: MOCS1 is on the minus strand). VCF-style: chr6-39925672-A-G. GRCh37 (hg19) VCF-style: chr6-39893416-A-G.
Other names: c.157+6T>C (NM_001358531.2, NM_001358533.2, NM_001358534.2); c.418+6T>C (NM_001358529.2, NM_001075098.4, NM_005943.6).
Identifiers: ClinVar variation 1356378 (VCV001356378.6), dbSNP rs780678363, ClinGen allele CA3796308.

ClinVar aggregate classification (germline): Uncertain significance (1 of 4 stars; one submission).

Conditions:
Sulfite oxidase deficiency due to molybdenum cofactor deficiency type A. Also called: Molybdenum cofactor deficiency, complementation group A; Molybdenum Cofactor Deficiency A. Identifiers: Orphanet 308386, Orphanet 833, MedGen C1854988, MONDO:0009643, OMIM 252150.

Allele frequency attached by ClinVar (database versions not stated): ExAC 0.00001.

Submission:

Labcorp Genetics (formerly Invitae), Labcorp
Classification: Uncertain significance for Sulfite oxidase deficiency due to molybdenum cofactor deficiency type A. Last evaluated: 2021-05-26. Review status: criteria provided, single submitter. Criteria: Invitae Variant Classification Sherloc (09022015). Collection method: clinical testing. Allele origin: germline.
Comment: This sequence change falls in intron 3 of the MOCS1 gene. It does not directly change the encoded amino acid sequence of the MOCS1 protein. It affects a nucleotide within the consensus splice site of the intron. This variant is present in population databases (rs780678363, ExAC 0.002%). This variant has not been reported in the literature in individuals with MOCS1-related conditions. Nucleotide substitutions within the consensus splice site are a relatively common cause of aberrant splicing (PMID: 17576681, 9536098). Algorithms developed to predict the effect of sequence changes on RNA splicing suggest that this variant may disrupt the consensus splice site, but this prediction has not been confirmed by published transcriptional studies. In summary, the available evidence is currently insufficient to determine the role of this variant in disease. Therefore, it has been classified as a Variant of Uncertain Significance.

Literature cited by the submitters: PubMed 17576681; PubMed 9536098.